The following is an entry in ClinVar:

NM_005499.3(UBA2):c.52_58dup (p.Val20fs)

Genes: UBA2 (ubiquitin like modifier activating enzyme 2; plus strand), LOC130064190 (ATAC-STARR-seq lymphoblastoid silent region 10502; plus strand). Cytogenetic location: 19q13.11.
Variant type: Microsatellite.
Coding change: c.52_58dup on transcript NM_005499.3 (MANE Select); coding-DNA positions 52 to 58, 7 bases duplicated (GGCCGGG; older notation c.52_58dupGGCCGGG).
Protein change: p.Val20fs; shifts the reading frame from valine 20.
Molecular consequence: frameshift variant.
Genome position (GRCh38, 1-based): chr19:34,428,484-34,428,490, GGCCGGG duplicated; duplicating any 7 consecutive bases within chr19:34,428,477-34,428,490 gives the same sequence; the c. name uses the placement nearest the transcript's 3' end. VCF-style (leftmost placement, unchanged base first): chr19-34428476-T-TGGCCGGG. GRCh37 (hg19) VCF-style: chr19-34919381-T-TGGCCGGG.
Other names: short protein forms V20fs.
Identifiers: ClinVar variation 524055 (VCV000524055.4), dbSNP rs1555725969, ClinGen allele CA658799182.

ClinVar aggregate classification (germline): Pathogenic (1 of 4 stars; one submission).

Submission:

GeneDx
Classification: Pathogenic. Last evaluated: 2020-08-10. Review status: criteria provided, single submitter. Criteria: GeneDx Variant Classification Process June 2021. Collection method: clinical testing. Allele origin: germline. Affected: yes.
Comment: Frameshift variant predicted to result in protein truncation or nonsense mediated decay in a gene for which loss-of-function is a known mechanism of disease; Not observed in large population cohorts (Lek et al., 2016); Has not been previously published as pathogenic or benign to our knowledge